The following is an entry in ClinVar:

ClinVar aggregate classification (germline): Likely benign (1 of 4 stars; one submission).

Submission:

CeGaT Center for Human Genetics Tuebingen
Classification: Likely benign. Last evaluated: 2023-02-01. Review status: criteria provided, single submitter. Criteria: CeGaT Center For Human Genetics Tuebingen Variant Classification Criteria Version 2. Collection method: clinical testing. Allele origin: germline. Affected: yes. Observed: 1 variant allele.
Comment: HSPG2: PM2:Supporting, BP4, BP7

NM_005529.7(HSPG2):c.6939C>A (p.Ala2313=)

Gene: HSPG2 (heparan sulfate proteoglycan 2; minus strand). Cytogenetic location: 1p36.12.
Variant type: single nucleotide variant.
Coding change: c.6939C>A on transcript NM_005529.7 (MANE Select); coding-DNA position 6939, C replaced by A.
Protein change: p.Ala2313=; no amino-acid change (alanine 2313 retained).
Molecular consequence: synonymous variant.
Genome position (GRCh38, 1-based): chr1:21,851,858, G>T on the plus strand (C>A on the coding strand, the complement: HSPG2 is on the minus strand). VCF-style: chr1-21851858-G-T. GRCh37 (hg19) VCF-style: chr1-22178351-G-T.
Other names: c.6942C>A, p.Ala2314= (NM_001291860.2).
Identifiers: ClinVar variation 2638458 (VCV002638458.24), dbSNP rs2550683326, ClinGen allele CA416680095.